The following is an entry in ClinVar:

ClinVar aggregate classification (germline): Benign (1 of 4 stars; one submission).

Conditions:
Lynch syndrome 5 (LYNCH5). Also called: Colorectal cancer, hereditary nonpolyposis, type 5; Hereditary non-polyposis colorectal cancer, type 5. Identifiers: Orphanet 144, MedGen C1833477, MONDO:0013710, OMIM 614350. Disease mechanism: loss of function.

Submission:

Myriad Genetics, Inc.
Classification: Benign for Lynch syndrome 5. Last evaluated: 2024-12-19. Review status: criteria provided, single submitter. Criteria: Myriad Autosomal Dominant, Autosomal Recessive and X-Linked Classification Criteria (2023). Collection method: clinical testing. Allele origin: unknown.
Comment: This variant is considered benign. This variant is a silent/synonymous amino acid change and it is not expected to impact splicing.

NM_000179.3(MSH6):c.720A>C (p.Arg240=)

Gene: MSH6 (mutS homolog 6; plus strand). Cytogenetic location: 2p16.3.
Variant type: single nucleotide variant.
Coding change: c.720A>C on transcript NM_000179.3 (MANE Select); coding-DNA position 720, A replaced by C.
Protein change: p.Arg240=; no amino-acid change (arginine 240 retained).
Molecular consequence: synonymous variant. On other transcripts: 5 prime UTR variant (9), non-coding transcript variant (4), intron variant (1).
Genome position (GRCh38, 1-based): chr2:47,798,703, A>C. VCF-style: chr2-47798703-A-C. GRCh37 (hg19) VCF-style: chr2-48025842-A-C.
Other names: c.330A>C, p.Arg110= (NM_001281492.2); c.-187A>C (NM_001281493.2, NM_001281494.2, NM_001406811.1 and 6 more transcripts); c.816A>C, p.Arg272= (NM_001406795.1, NM_001406802.1); c.720A>C, p.Arg240= (NM_001406796.1, NM_001406798.1, NM_001406800.1 and 4 more transcripts); c.423A>C, p.Arg141= (NM_001406797.1, NM_001406801.1, NM_001406805.1 and 10 more transcripts); c.195A>C, p.Arg65= (NM_001406799.1, NM_001406806.1, NM_001406807.1); c.642A>C, p.Arg214= (NM_001406804.1); c.726A>C, p.Arg242= (NM_001406813.1); and 2 more.
Identifiers: ClinVar variation 3903922 (VCV003903922.1).